The following is an entry in ClinVar:

NM_001267550.2(TTN):c.62217T>A (p.Tyr20739Ter)

Genes: TTN (titin; minus strand), TTN-AS1 (TTN antisense RNA 1; plus strand). Cytogenetic location: 2q31.2.
Variant type: single nucleotide variant.
Coding change: c.62217T>A on transcript NM_001267550.2 (MANE Select); coding-DNA position 62217, T replaced by A.
Protein change: p.Tyr20739Ter; replaces tyrosine 20739 with a stop codon.
Molecular consequence: nonsense.
Genome position (GRCh38, 1-based): chr2:178,589,508, A>T on the plus strand (T>A on the coding strand, the complement: TTN is on the minus strand). VCF-style: chr2-178589508-A-T. GRCh37 (hg19) VCF-style: chr2-179454235-A-T.
Other names: c.35397T>A, p.Tyr11799Ter (NM_133432.3); c.35598T>A, p.Tyr11866Ter (NM_133437.4); c.57294T>A, p.Tyr19098Ter (NM_001256850.1); c.35022T>A, p.Tyr11674Ter (NM_003319.4); c.54513T>A, p.Tyr18171Ter (NM_133378.4); c.62217T>A (NM_001267550.1); short protein forms Y18171*, Y20739*, Y19098*, Y11674*, Y11799*, Y11866*.
Identifiers: ClinVar variation 165916 (VCV000165916.29), dbSNP rs727503586, ClinGen allele CA273264.

ClinVar aggregate classification (germline): Pathogenic/Likely pathogenic. Review status: criteria provided, multiple submitters, no conflicts (2 of 4 stars). 6 submissions from 6 submitters: Pathogenic (2); Likely pathogenic (4). Last evaluated 2025-12-31.

Conditions:
Cardiovascular phenotype. Identifiers: MedGen CN230736.
Autosomal recessive limb-girdle muscular dystrophy type 2J (LGMDR10). Also called: Limb-girdle muscular dystrophy, type 2J; MUSCULAR DYSTROPHY, LIMB-GIRDLE, AUTOSOMAL RECESSIVE 10. Identifiers: Orphanet 140922, MedGen C1837342, MONDO:0012127, OMIM 608807.
Dilated cardiomyopathy 1G (CMD1G). Identifiers: Orphanet 154, MedGen C1858763, MONDO:0011400, OMIM 604145.
Primary dilated cardiomyopathy (DCM). Also called: Dilated Cardiomyopathy. Identifiers: Orphanet 217604, MedGen C0007193, MeSH D002311, MONDO:0005021, HP:0001644. Inheritance: Various modes of inheritance.

Submissions (6):

Labcorp Genetics (formerly Invitae), Labcorp
Classification: Likely pathogenic for Dilated cardiomyopathy 1G; Autosomal recessive limb-girdle muscular dystrophy type 2J. Last evaluated: 2025-12-31. Review status: criteria provided, single submitter. Criteria: Invitae Variant Classification Sherloc (09022015). Collection method: clinical testing. Allele origin: germline.
Comment: This sequence change creates a premature translational stop signal (p.Tyr20739*) in the TTN gene. While this is not anticipated to result in nonsense mediated decay, it is expected to create a truncated TTN protein. This variant is not present in population databases (gnomAD no frequency). This variant has not been reported in the literature in individuals affected with TTN-related conditions. ClinVar contains an entry for this variant (Variation ID: 165916). This variant is located in the A band of TTN (PMID: 25589632). Truncating variants in this region are significantly overrepresented in patients affected with dilated cardiomyopathy (PMID: 25589632). Truncating variants in this region have also been reported in individuals affected with autosomal recessive centronuclear myopathy (PMID: 23975875). In summary, the currently available evidence indicates that the variant is pathogenic, but additional data are needed to prove that conclusively. Therefore, this variant has been classified as Likely Pathogenic.

GeneDx
Classification: Pathogenic. Last evaluated: 2025-08-08. Review status: criteria provided, single submitter. Criteria: GeneDx Variant Classification Process June 2021. Collection method: clinical testing. Allele origin: germline. Affected: yes.
Comment: Has not been previously published as pathogenic or benign to our knowledge; Not observed at significant frequency in large population cohorts (gnomAD); Nonsense variant predicted to result in protein truncation or nonsense mediated decay in a gene for which loss of function is a known mechanism of disease; This variant is associated with the following publications: (PMID: 25589632, 22335739, 32778822)

Revvity Omics, Revvity
Classification: Likely pathogenic. Last evaluated: 2024-12-30. Review status: criteria provided, single submitter. Criteria: ACMG Guidelines, 2015. Collection method: clinical testing. Allele origin: germline.

Ambry Genetics
Classification: Pathogenic for Cardiovascular phenotype. Last evaluated: 2023-05-30. Review status: criteria provided, single submitter. Criteria: Ambry Variant Classification Scheme 2023. Collection method: clinical testing. Allele origin: germline.
Comment: The p.Y11674* pathogenic mutation (also known as c.35022T>A), located in coding exon 131 of the TTN gene, results from a T to A substitution at nucleotide position 35022. This changes the amino acid from a tyrosine to a stop codon within coding exon 131. This exon is located in the A-band region of the N2-B isoform of the titin protein and is constitutively expressed in TTN transcripts (percent spliced in or PSI 100%). This alteration has been observed individuals with personal and/or family histories consistent with dilated cardiomyopathy (DCM) (Ambry internal data). This variant is considered to be rare based on population cohorts in the Genome Aggregation Database (gnomAD). This alteration is expected to result in loss of function by premature protein truncation or nonsense-mediated mRNA decay. While truncating variants in TTN are present in 1-3% of the general population, truncating variants in the A-band are the most common cause of DCM (Herman DS et al. N. Engl. J. Med. 2012 Feb;366:619-28; Roberts AM et al. Sci Transl Med. 2015 Jan;7:270ra6). TTN truncating variants encoded in constitutive exons (PSI >90%) have been found to be significantly associated with DCM regardless of their position in titin (Schafer S et al. Nat. Genet. 2017 Jan;49:46-53). Based on the supporting evidence, this alteration is interpreted as a disease-causing mutation.

Stanford Center for Inherited Cardiovascular Disease, Stanford University
Classification: Likely pathogenic. Last evaluated: 2017-08-29. Review status: criteria provided, single submitter. Criteria: ACMG Guidelines, 2015. Collection method: provider interpretation. Allele origin: germline.

Laboratory for Molecular Medicine, Mass General Brigham Personalized Medicine
Classification: Likely pathogenic for Primary dilated cardiomyopathy. Last evaluated: 2014-06-05. Review status: criteria provided, single submitter. Criteria: LMM Criteria. Collection method: clinical testing. Allele origin: germline. Inheritance: Autosomal dominant inheritance. Observed: 1 variant allele.
Comment: The Tyr18171X variant in TTN has not been previously reported in individuals wit h cardiomyopathy or in large population studies. This nonsense variant leads to a premature termination codon at position 18171, which is predicted to lead to a truncated or absent protein. Nonsense and other truncating variants in TTN are strongly associated with DCM and the majority occur in exons encoding for the A- band region of the protein (Herman 2012, Pugh 2014), where this variant is locat ed. In summary, although additional studies are required to fully establish its clinical significance, the Tyr18171X variant is likely pathogenic.

Literature cited by the submitters: PubMed 25589632 (cited by Labcorp Genetics (formerly Invitae), Labcorp); PubMed 23975875 (cited by Labcorp Genetics (formerly Invitae), Labcorp); PubMed 22335739 (cited by Laboratory for Molecular Medicine, Mass General Brigham Personalized Medicine).